The following is an entry in ClinVar:

ClinVar aggregate classification (germline): Uncertain significance (1 of 4 stars; one submission).

Submission:

Labcorp Genetics (formerly Invitae), Labcorp
Classification: Uncertain significance. Last evaluated: 2022-09-16. Review status: criteria provided, single submitter. Criteria: Invitae Variant Classification Sherloc (09022015). Collection method: clinical testing. Allele origin: germline.
Comment: This sequence change replaces threonine, which is neutral and polar, with proline, which is neutral and non-polar, at codon 711 of the ABL1 protein (p.Thr711Pro). This variant is not present in population databases (gnomAD no frequency). This variant has not been reported in the literature in individuals affected with ABL1-related conditions. Advanced modeling of protein sequence and biophysical properties (such as structural, functional, and spatial information, amino acid conservation, physicochemical variation, residue mobility, and thermodynamic stability) performed at Invitae indicates that this missense variant is not expected to disrupt ABL1 protein function. In summary, the available evidence is currently insufficient to determine the role of this variant in disease. Therefore, it has been classified as a Variant of Uncertain Significance.

NM_005157.6(ABL1):c.2074A>C (p.Thr692Pro)

Gene: ABL1 (ABL proto-oncogene 1, non-receptor tyrosine kinase; plus strand). Cytogenetic location: 9q34.12.
Variant type: single nucleotide variant.
Coding change: c.2074A>C on transcript NM_005157.6 (MANE Select); coding-DNA position 2074, A replaced by C.
Protein change: p.Thr692Pro; replaces threonine 692 with proline.
Molecular consequence: missense variant.
Genome position (GRCh38, 1-based): chr9:130,884,364, A>C. VCF-style: chr9-130884364-A-C. GRCh37 (hg19) VCF-style: chr9-133759751-A-C.
Other names: c.2131A>C, p.Thr711Pro (NM_007313.3); short protein forms T692P, T711P.
Identifiers: ClinVar variation 1949312 (VCV001949312.5), dbSNP rs1281690568, ClinGen allele CA375255005.